The following is an entry in ClinVar:

NM_000038.6(APC):c.468C>G (p.Asp156Glu)

Gene: APC (APC regulator of Wnt signaling pathway; plus strand). Cytogenetic location: 5q22.2.
Variant type: single nucleotide variant.
Coding change: c.468C>G on transcript NM_000038.6 (MANE Select); coding-DNA position 468, C replaced by G.
Protein change: p.Asp156Glu; replaces aspartic acid 156 with glutamic acid.
Molecular consequence: missense variant. On other transcripts: 5 prime UTR variant (1).
Genome position (GRCh38, 1-based): chr5:112,775,674, C>G. VCF-style: chr5-112775674-C-G. GRCh37 (hg19) VCF-style: chr5-112111371-C-G.
Other names: c.468C>G, p.Asp156Glu (NM_001127510.3, NM_001354895.2, NM_001354896.2 and 2 more transcripts); c.498C>G, p.Asp166Glu (NM_001127511.3, NM_001354897.2, NM_001354902.2); c.393C>G, p.Asp131Glu (NM_001354898.2, NM_001354904.2); c.291C>G, p.Asp97Glu (NM_001354900.2, NM_001354901.2, NM_001354905.2); c.-568C>G (NM_001354906.2); short protein forms D156E, D166E, D97E, D131E.
Identifiers: ClinVar variation 469975 (VCV000469975.24), dbSNP rs752627126, ClinGen allele CA039593.

ClinVar aggregate classification (germline): Conflicting classifications of pathogenicity. Review status: criteria provided, conflicting classifications (1 of 4 stars). 10 submissions from 10 submitters: Uncertain significance (9); Likely benign (1). Last evaluated 2025-10-14.

Conditions:
Hereditary cancer-predisposing syndrome. Also called: Tumor predisposition; Hereditary neoplastic syndrome; Neoplastic Syndromes, Hereditary; Hereditary Cancer Syndrome. Identifiers: Orphanet 140162, MedGen C0027672, MeSH D009386, MONDO:0015356.
Gastric cancer. Also called: Stomach cancer; Malignant tumor of stomach. Identifiers: MedGen C0024623, MeSH D013274, MONDO:0001056, OMIM 613659, HP:0012126.
Colorectal cancer. Also called: Colorectal cancer, somatic; Malignant Colorectal Neoplasm. Identifiers: MedGen C0346629, MONDO:0005575, OMIM 114500.
Familial adenomatous polyposis 1 (FAP1). Also called: FAMILIAL ADENOMATOUS POLYPOSIS 1, ATTENUATED; POLYPOSIS, ADENOMATOUS INTESTINAL. Identifiers: MedGen C2713442, MONDO:0021056, OMIM 175100. Disease mechanism: loss of function.
Hepatocellular carcinoma (HCC). Also called: Primary carcinoma of liver; HEPATOMA; LIVER CELL CARCINOMA. Identifiers: Orphanet 88673, MedGen C2239176, MONDO:0007256, OMIM 114550, HP:0001402.
Desmoid disease, hereditary (DESMD). Also called: FIBROMATOSIS, FAMILIAL INFILTRATIVE. Identifiers: Orphanet 873, MedGen C1851124, OMIM 135290. Disease mechanism: loss of function.
Gastric adenocarcinoma and proximal polyposis of the stomach (GAPPS). Also called: Polyposis, gastric, Dos Santos and de Magalhaes 1980; POLYPOSIS, GASTRIC; Gastric Adenocarcinoma and Proximal Polyposis of the Stomach (GAPPS). Identifiers: Orphanet 314022, MedGen C4749917, MONDO:0017790, OMIM 619182.
Classic or attenuated familial adenomatous polyposis. Identifiers: MedGen CN372698, MONDO:0021057.

Allele frequency attached by ClinVar (database versions not stated): gnomAD exomes below 0.00001 and 0.00001; ExAC 0.00001; gnomAD 0.00001; TOPMed 0.00003.
gnomAD v4.1: 4 of 1,607,240 alleles (0.00025%); highest among the groups gnomAD compares: African/African-American, 0.004%; no homozygotes.

Submissions (10):

Labcorp Genetics (formerly Invitae), Labcorp
Classification: Uncertain significance for Familial adenomatous polyposis 1. Last evaluated: 2025-10-14. Review status: criteria provided, single submitter. Criteria: Invitae Variant Classification Sherloc (09022015). Collection method: clinical testing. Allele origin: germline.
Comment: This sequence change replaces aspartic acid, which is acidic and polar, with glutamic acid, which is acidic and polar, at codon 156 of the APC protein (p.Asp156Glu). This variant is present in population databases (rs752627126, gnomAD 0.01%). This variant has not been reported in the literature in individuals affected with APC-related conditions. ClinVar contains an entry for this variant (Variation ID: 469975). Invitae Evidence Modeling of protein sequence and biophysical properties (such as structural, functional, and spatial information, amino acid conservation, physicochemical variation, residue mobility, and thermodynamic stability) indicates that this missense variant is not expected to disrupt APC protein function with a negative predictive value of 95%. In summary, the available evidence is currently insufficient to determine the role of this variant in disease. Therefore, it has been classified as a Variant of Uncertain Significance.

Quest Diagnostics Nichols Institute San Juan Capistrano
Classification: Uncertain significance. Last evaluated: 2025-03-03. Review status: criteria provided, single submitter. Criteria: Quest Diagnostics criteria. Collection method: clinical testing. Allele origin: unknown.
Comment: The APC c.468C>G (p.Asp156Glu) variant has not been reported in the published literature in individuals with APC-related disorders. The frequency of this variant in the general population (Genome Aggregation Database) is uninformative in the assessment of its pathogenicity. Analysis of this variant using bioinformatics tools for the prediction of the effect of amino acid changes on protein structure and function yielded conflicting predictions that this variant is deleterious or benign. Based on the available information, we are unable to determine the clinical significance of this variant.

Fulgent Genetics
Classification: Uncertain significance for Colorectal cancer; Hepatocellular carcinoma; Desmoid disease, hereditary; Familial adenomatous polyposis 1; Gastric cancer; Gastric adenocarcinoma and proximal polyposis of the stomach. Last evaluated: 2024-06-20. Review status: criteria provided, single submitter. Criteria: ACMG Guidelines, 2015. Collection method: clinical testing. Allele origin: germline.

All of Us Research Program, National Institutes of Health
Classification: Uncertain significance for Classic or attenuated familial adenomatous polyposis. Last evaluated: 2024-05-14. Review status: criteria provided, single submitter. Criteria: ACMG Guidelines, 2015. Collection method: clinical testing. Allele origin: germline. Inheritance: Autosomal dominant inheritance. Observed: 2 variant alleles, 2 heterozygotes.
Comment: This missense variant replaces aspartic acid with glutamic acid at codon 156 of the APC protein. Computational prediction suggests that this variant may not impact protein structure and function (internally defined REVEL score threshold <= 0.5, PMID: 27666373). To our knowledge, functional studies have not been reported for this variant. This variant has not been reported in individuals affected with APC-related disorders in the literature. This variant has been identified in 3/247496 chromosomes in the general population by the Genome Aggregation Database (gnomAD). The available evidence is insufficient to determine the role of this variant in disease conclusively. Therefore, this variant is classified as a Variant of Uncertain Significance.

This study involves interpretation of variants in research participants for the purpose of population health screening. Participant phenotype was not available at the time of variant classification. Additional details can be found in publication PMID: 35346344, PMCID: PMC8962531

Color Diagnostics, LLC DBA Color Health
Classification: Uncertain significance for Hereditary cancer-predisposing syndrome. Last evaluated: 2024-04-23. Review status: criteria provided, single submitter. Criteria: ACMG Guidelines, 2015. Collection method: clinical testing. Allele origin: germline.
Comment: This missense variant replaces aspartic acid with glutamic acid at codon 156 of the APC protein. Computational prediction suggests that this variant may not impact protein structure and function (internally defined REVEL score threshold <= 0.5, PMID: 27666373). To our knowledge, functional studies have not been reported for this variant. This variant has not been reported in individuals affected with APC-related disorders in the literature. This variant has been identified in 3/247496 chromosomes in the general population by the Genome Aggregation Database (gnomAD). The available evidence is insufficient to determine the role of this variant in disease conclusively. Therefore, this variant is classified as a Variant of Uncertain Significance.

Baylor Genetics
Classification: Uncertain significance for Familial adenomatous polyposis 1. Last evaluated: 2024-03-13. Review status: criteria provided, single submitter. Criteria: ACMG Guidelines, 2015. Collection method: clinical testing. Allele origin: unknown.

GeneDx
Classification: Uncertain significance. Last evaluated: 2024-03-06. Review status: criteria provided, single submitter. Criteria: GeneDx Variant Classification Process June 2021. Collection method: clinical testing. Allele origin: germline. Affected: yes.
Comment: Not observed at significant frequency in large population cohorts (gnomAD); In silico analysis supports that this missense variant does not alter protein structure/function; Has not been previously published as pathogenic or benign to our knowledge; This variant is associated with the following publications: (PMID: 22645652, 30975989, 27302369)

Sema4
Classification: Uncertain significance for Hereditary cancer-predisposing syndrome. Last evaluated: 2021-11-15. Review status: criteria provided, single submitter. Criteria: Sema4 Curation Guidelines. Collection method: curation. Allele origin: germline.
Comment: To the best of our knowledge, the APC c.468C>G (p.D156E) variant has not been reported in individuals with APC-related disease. It was observed in 2/16134 chromosomes of the African/African American subpopulation in the large and broad cohorts of the Genome Aggregation Database (PMID: 32461654). This variant has been reported in ClinVar (Variation ID: 469975). Functional studies have not been performed, and in silico predictions of the variant's effect on protein function are inconclusive. The evidence is insufficient to meet ACMG/AMP criteria for classifying the variant as benign or pathogenic. Thus, the clinical significance of this variant is currently uncertain.

Ambry Genetics
Classification: Likely benign for Hereditary cancer-predisposing syndrome. Last evaluated: 2021-03-22. Review status: criteria provided, single submitter. Criteria: Ambry Variant Classification Scheme 2023. Collection method: clinical testing. Allele origin: germline.

Women's Health and Genetics/Laboratory Corporation of America, LabCorp
Classification: Uncertain significance. Last evaluated: 2019-03-07. Review status: criteria provided, single submitter. Criteria: LabCorp Variant Classification Summary - May 2015. Collection method: clinical testing. Allele origin: germline.
Comment: Variant summary: APC c.468C>G (p.Asp156Glu) results in a conservative amino acid change in the encoded protein sequence. Four of five in-silico tools predict a benign effect of the variant on protein function. The variant allele was found at a frequency of 1.2e-05 in 242580 control chromosomes (gnomAD). The available data on variant occurrences in the general population are insufficient to allow any conclusion about variant significance. To our knowledge, no occurrence of c.468C>G in individuals affected with Familial Adenomatous Polyposis and no experimental evidence demonstrating its impact on protein function have been reported. A co-occurrence with a pathogenic variant has been reported in our internal database (MLH1 c.2252_2253dupAA, p.Val752Lysfs*32). Two ClinVar submissions from clinical diagnostic laboratories (evaluation after 2014) cite the variant as uncertain significance. Based on the evidence outlined above, the variant was classified as uncertain significance.

Literature cited by the submitters: PubMed 22645652 (cited by Quest Diagnostics Nichols Institute San Juan Capistrano and Women's Health and Genetics/Laboratory Corporation of America, LabCorp).